The following is an entry in ClinVar:

ClinVar aggregate classification (germline): Uncertain significance (1 of 4 stars; one submission).

gnomAD v4.1: 4 of 1,613,758 alleles (0.00025%); highest among the groups gnomAD compares: South Asian, 0.0011%; no homozygotes.

Submission:

Women's Health and Genetics/Laboratory Corporation of America, LabCorp
Classification: Uncertain significance. Last evaluated: 2025-02-17. Review status: criteria provided, single submitter. Criteria: LabCorp Variant Classification Summary - May 2015. Collection method: clinical testing. Allele origin: germline.
Comment: Variant summary: DLD c.548C>T (p.Thr183Met) results in a non-conservative amino acid change located in the FAD/NAD(P)-binding domain (IPR036188) of the encoded protein sequence. Five of five in-silico tools predict a damaging effect of the variant on protein function. The variant allele was found at a frequency of 4e-06 in 251416 control chromosomes. The available data on variant occurrences in the general population are insufficient to allow any conclusion about variant significance. c.548C>T has been reported in the literature in at least one compound heterozygous individual affected with Dihydrolipoamide Dehydrogenase Deficiency (MSUD Type 3) (e.g. Wongkittichote_2023). These data do not allow any conclusion about variant significance. To our knowledge, no experimental evidence demonstrating an impact on protein function has been reported. The following publication has been ascertained in the context of this evaluation (PMID: 37701333). No submitters have cited clinical-significance assessments for this variant to ClinVar. Based on the evidence outlined above, the variant was classified as uncertain significance.

Literature cited by the submitters: PubMed 37701333.

NM_000108.5(DLD):c.548C>T (p.Thr183Met)

Gene: DLD (dihydrolipoamide dehydrogenase; plus strand). Cytogenetic location: 7q31.1.
Variant type: single nucleotide variant.
Coding change: c.548C>T on transcript NM_000108.5 (MANE Select); coding-DNA position 548, C replaced by T.
Protein change: p.Thr183Met; replaces threonine 183 with methionine.
Molecular consequence: missense variant. On other transcripts: intron variant (1).
Genome position (GRCh38, 1-based): chr7:107,905,470, C>T. VCF-style: chr7-107905470-C-T. GRCh37 (hg19) VCF-style: chr7-107545915-C-T.
Other names: c.251C>T, p.Thr84Met (NM_001289750.1); c.479C>T, p.Thr160Met (NM_001289751.1); c.438+412C>T (NM_001289752.1); short protein forms T160M, T183M, T84M.
Identifiers: ClinVar variation 3769020 (VCV003769020.1).